The following is an entry in ClinVar:

ClinVar aggregate classification (germline): Uncertain significance (1 of 4 stars; one submission).

gnomAD v4.1: 1 of 1,613,570 alleles (0.000062%); highest among the groups gnomAD compares: African/African-American, 0.0013%; no homozygotes.

Submission:

GeneDx
Classification: Uncertain significance. Last evaluated: 2026-03-19. Review status: criteria provided, single submitter. Criteria: GeneDx Variant Classification Process June 2021. Collection method: clinical testing. Allele origin: germline.
Comment: Not observed at significant frequency in large population cohorts (gnomAD); In silico analysis supports that this missense variant has a deleterious effect on protein structure/function; Has not been previously published as pathogenic or benign to our knowledge

NM_003742.4(ABCB11):c.3928T>G (p.Tyr1310Asp)

Gene: ABCB11 (ATP binding cassette subfamily B member 11; minus strand). Cytogenetic location: 2q31.1.
Variant type: single nucleotide variant.
Coding change: c.3928T>G on transcript NM_003742.4 (MANE Select); coding-DNA position 3928, T replaced by G.
Protein change: p.Tyr1310Asp; replaces tyrosine 1310 with aspartic acid.
Molecular consequence: missense variant.
Genome position (GRCh38, 1-based): chr2:168,923,660, A>C on the plus strand (T>G on the coding strand, the complement: ABCB11 is on the minus strand). VCF-style: chr2-168923660-A-C. GRCh37 (hg19) VCF-style: chr2-169780170-A-C.
Other names: short protein forms Y1310D.
Identifiers: ClinVar variation 5009497 (VCV005009497.1).